The following is an entry in ClinVar:

NM_000170.3(GLDC):c.439_441dup (p.Ile147dup)

Gene: GLDC (glycine decarboxylase; minus strand). Cytogenetic location: 9p24.1.
Variant type: Duplication.
Coding change: c.439_441dup on transcript NM_000170.3 (MANE Select); coding-DNA positions 439 to 441, 3 bases duplicated (ATT; older notation c.439_441dupATT).
Protein change: p.Ile147dup; duplicates isoleucine 147.
Molecular consequence: inframe insertion.
Genome position (GRCh38, 1-based): chr9:6,620,213-6,620,215, AAT duplicated on the plus strand (ATT on the coding strand, the reverse complement: GLDC is on the minus strand). VCF-style (leftmost placement, unchanged base first): chr9-6620212-A-AAAT. GRCh37 (hg19) VCF-style: chr9-6620212-A-AAAT.
Other names: c.439_441dupATT (NM_000170.2).
Identifiers: ClinVar variation 570665 (VCV000570665.9), dbSNP rs1157234920, ClinGen allele CA372879257.

ClinVar aggregate classification (germline): Uncertain significance. Review status: criteria provided, multiple submitters, no conflicts (2 of 4 stars). 2 submissions from 2 submitters: Uncertain significance (2). Last evaluated 2022-10-18.

Conditions:
Inborn genetic diseases. Identifiers: MedGen C0950123, MeSH D030342.
Glycine encephalopathy. Also called: Non-ketotic hyperglycinemia; Nonketotic hyperglycinemia. Identifiers: Orphanet 407, MedGen C0751748, MONDO:0011612, HP:0008288.

Allele frequency attached by ClinVar (database versions not stated): TOPMed below 0.00001; gnomAD 0.00001; ESP Exome Variant Server 0.00008.

Submissions (2):

Ambry Genetics
Classification: Uncertain significance for Inborn genetic diseases. Last evaluated: 2022-10-18. Review status: criteria provided, single submitter. Criteria: Ambry Variant Classification Scheme 2023. Collection method: clinical testing. Allele origin: germline.
Comment: The c.439_441dupATT (p.I147dup) alteration is located in exon 3 (coding exon 3) of the GLDC gene. The alteration consists of an in-frame duplication of 3 nucleotides from position 439 to 441, resulting in the duplication of <NA> residues. Based on insufficient or conflicting evidence, the clinical significance of this alteration remains unclear.

Labcorp Genetics (formerly Invitae), Labcorp
Classification: Uncertain significance for Glycine encephalopathy. Last evaluated: 2020-05-04. Review status: criteria provided, single submitter. Criteria: Invitae Variant Classification Sherloc (09022015). Collection method: clinical testing. Allele origin: germline.
Comment: In summary, the available evidence is currently insufficient to determine the role of this variant in disease. Therefore, it has been classified as a Variant of Uncertain Significance. This variant has been observed in individual(s) with clinical features of non-ketotic hyperglycinemia (Invitae). In at least one individual the data is consistent with the variant being in trans (on the opposite chromosome) from a pathogenic variant. This variant is not present in population databases (ExAC no frequency). This variant, c.439_441dup, results in the insertion of 1 amino acid(s) to the GLDC protein (p.Ile147dup), but otherwise preserves the integrity of the reading frame.